The following is an entry in ClinVar:

NC_000023.11:g.(?_101353174)_(101358716_?)dup

Gene: BTK (Bruton tyrosine kinase; minus strand). Cytogenetic location: Xq22.1.
Variant type: Duplication.
Identifiers: ClinVar variation 833084 (VCV000833084.8).

ClinVar aggregate classification (germline): Uncertain significance (1 of 4 stars; one submission).

Conditions:
X-linked agammaglobulinemia with growth hormone deficiency (IGHD3). Also called: AGAMMAGLOBULINEMIA AND ISOLATED GROWTH HORMONE DEFICIENCY, X-LINKED; FLEISHER SYNDROME; HYPOGAMMAGLOBULINEMIA AND ISOLATED GROWTH HORMONE DEFICIENCY, X-LINKED; IGHD III; Isolated growth hormone deficiency type 3; Growth hormone deficiency with hypogammaglobulinemia. Identifiers: Orphanet 231692, Orphanet 631, MedGen C0472813, MONDO:0010615, OMIM 307200.

Submission:

Labcorp Genetics (formerly Invitae), Labcorp
Classification: Uncertain significance for X-linked agammaglobulinemia with growth hormone deficiency. Last evaluated: 2020-01-22. Review status: criteria provided, single submitter. Criteria: Invitae Variant Classification Sherloc (09022015). Collection method: clinical testing. Allele origin: germline.
Comment: In summary, the available evidence is currently insufficient to determine the role of this variant in disease. Therefore, it has been classified as a Variant of Uncertain Significance. This variant results in a copy number gain of the genomic region encompassing exons 11-18 of the BTK gene. While the exact position of this variant cannot be determined from this data, sub-genic copy number gains are generally in tandem (PMID: 25640679). This variant would be expected to be in-frame, preserving the integrity of the reading frame.

Literature cited by the submitters: PubMed 25640679.